The following is an entry in ClinVar:

NM_022124.6(CDH23):c.2551G>T (p.Glu851Ter)

Gene: CDH23 (cadherin related 23; plus strand). Cytogenetic location: 10q22.1.
Variant type: single nucleotide variant.
Coding change: c.2551G>T on transcript NM_022124.6 (MANE Select); coding-DNA position 2551, G replaced by T.
Protein change: p.Glu851Ter; replaces glutamic acid 851 with a stop codon.
Molecular consequence: nonsense.
Genome position (GRCh38, 1-based): chr10:71,702,175, G>T. VCF-style: chr10-71702175-G-T. GRCh37 (hg19) VCF-style: chr10-73461932-G-T.
Other names: c.2551G>T, p.Glu851Ter (NM_001171930.2, NM_001171931.2); short protein forms E851*.
Identifiers: ClinVar variation 3651713 (VCV003651713.2).

ClinVar aggregate classification (germline): Pathogenic (1 of 4 stars; one submission).

Submission:

Labcorp Genetics (formerly Invitae), Labcorp
Classification: Pathogenic. Last evaluated: 2024-04-30. Review status: criteria provided, single submitter. Criteria: Invitae Variant Classification Sherloc (09022015). Collection method: clinical testing. Allele origin: germline.
Comment: This sequence change creates a premature translational stop signal (p.Glu851*) in the CDH23 gene. It is expected to result in an absent or disrupted protein product. Loss-of-function variants in CDH23 are known to be pathogenic (PMID: 11138009, 21940737). This variant is not present in population databases (gnomAD no frequency). This variant has not been reported in the literature in individuals affected with CDH23-related conditions. For these reasons, this variant has been classified as Pathogenic.

Literature cited by the submitters: PubMed 11138009; PubMed 21940737.